The following is an entry in ClinVar:

ClinVar aggregate classification (germline): Pathogenic/Likely pathogenic. Review status: criteria provided, multiple submitters, no conflicts (2 of 4 stars). 3 submissions from 3 submitters: Pathogenic (1); Likely pathogenic (1). 1 of the submissions does not count toward it. Last evaluated 2024-06-17.

Conditions:
Pili torti-deafness syndrome (BJS). Also called: PILI TORTI AND NERVE DEAFNESS; Bjornstad syndrome. Identifiers: Orphanet 123, MedGen C0266006, MONDO:0009872, OMIM 262000.
GRACILE syndrome (FLNMS). Also called: FELLMAN SYNDROME; FINNISH LETHAL NEONATAL METABOLIC SYNDROME. Identifiers: Orphanet 53693, MedGen C1864002, MONDO:0011308, OMIM 603358.
Mitochondrial complex III deficiency nuclear type 1. Identifiers: Orphanet 254902, MedGen C3541471, MONDO:0007415, OMIM 124000.

Submissions (3):

Fulgent Genetics
Classification: Likely pathogenic for Mitochondrial complex III deficiency nuclear type 1; Pili torti-deafness syndrome; GRACILE syndrome. Last evaluated: 2024-06-17. Review status: criteria provided, single submitter. Criteria: ACMG Guidelines, 2015. Collection method: clinical testing. Allele origin: germline.

Labcorp Genetics (formerly Invitae), Labcorp
Classification: Pathogenic. Last evaluated: 2021-03-09. Review status: criteria provided, single submitter. Criteria: Invitae Variant Classification Sherloc (09022015). Collection method: clinical testing. Allele origin: germline.
Comment: This sequence change creates a premature translational stop signal (p.Asp258Thrfs*13) in the BCS1L gene. It is expected to result in an absent or disrupted protein product. Loss-of-function variants in BCS1L are known to be pathogenic (PMID: 17314340, 25895478). This variant is not present in population databases (ExAC no frequency). This variant has not been reported in the literature in individuals with BCS1L-related conditions. ClinVar contains an entry for this variant (Variation ID: 554756). For these reasons, this variant has been classified as Pathogenic.

Counsyl
Classification: Likely pathogenic for GRACILE syndrome. Last evaluated: 2017-11-02. Review status: no assertion criteria provided. Collection method: clinical testing. Allele origin: unknown. Not counted in ClinVar's aggregate classification.

Literature cited by the submitters: PubMed 17314340 (cited by Labcorp Genetics (formerly Invitae), Labcorp); PubMed 25895478 (cited by Labcorp Genetics (formerly Invitae), Labcorp).

NM_001079866.2(BCS1L):c.772del (p.Asp258fs)

Gene: BCS1L (BCS1 ubiquinol-cytochrome c reductase complex chaperone; plus strand). Cytogenetic location: 2q35.
Variant type: Deletion.
Coding change: c.772del on transcript NM_001079866.2 (MANE Select); coding-DNA position 772, one base deleted (G; older notation c.772delG).
Protein change: p.Asp258fs; shifts the reading frame from aspartic acid 258.
Molecular consequence: frameshift variant. On other transcripts: non-coding transcript variant (1).
Genome position (GRCh38, 1-based): chr2:218,662,562, G deleted; the last of 2 consecutive G bases (chr2:218,662,561-218,662,562); deleting either gives the same sequence. VCF-style (leftmost placement, unchanged base first): chr2-218662560-CG-C. GRCh37 (hg19) VCF-style: chr2-219527283-CG-C.
Other names: c.772del, p.Asp258fs (NM_001257342.2, NM_001257343.2, NM_001257344.2 and 10 more transcripts); c.412del, p.Asp138fs (NM_001318836.2, NM_001371451.1); c.271del, p.Asp91fs (NM_001371452.1, NM_001371453.1, NM_001371454.1 and 3 more transcripts); c.772delG (NM_004328.4); short protein forms D258fs, D138fs, D91fs.
Identifiers: ClinVar variation 554756 (VCV000554756.8), dbSNP rs1363475546, ClinGen allele CA350630100.